The following is an entry in ClinVar:

ClinVar aggregate classification (germline): Uncertain significance (1 of 4 stars; one submission).

Submission:

Labcorp Genetics (formerly Invitae), Labcorp
Classification: Uncertain significance. Last evaluated: 2017-09-05. Review status: criteria provided, single submitter. Criteria: Invitae Variant Classification Sherloc (09022015). Collection method: clinical testing. Allele origin: germline.
Comment: In summary, the available evidence is currently insufficient to determine the role of this variant in disease. Therefore, it has been classified as a Variant of Uncertain Significance. Algorithms developed to predict the effect of missense changes on protein structure and function do not agree on the potential impact of this missense change (SIFT: "Deleterious"; PolyPhen-2: "Benign"; Align-GVGD: "Class C0"). This variant has not been reported in the literature in individuals with A2ML1-related disease. This variant is not present in population databases (ExAC no frequency). This sequence change replaces threonine with isoleucine at codon 402 of the A2ML1 protein (p.Thr402Ile). The threonine residue is weakly conserved and there is a moderate physicochemical difference between threonine and isoleucine.

NM_144670.6(A2ML1):c.1205C>T (p.Thr402Ile)

Gene: A2ML1 (alpha-2-macroglobulin like 1; plus strand). Cytogenetic location: 12p13.31.
Variant type: single nucleotide variant.
Coding change: c.1205C>T on transcript NM_144670.6 (MANE Select); coding-DNA position 1205, C replaced by T.
Protein change: p.Thr402Ile; replaces threonine 402 with isoleucine.
Molecular consequence: missense variant.
Genome position (GRCh38, 1-based): chr12:8,841,493, C>T. VCF-style: chr12-8841493-C-T. GRCh37 (hg19) VCF-style: chr12-8994089-C-T.
Other names: short protein forms T402I.
Identifiers: ClinVar variation 1060454 (VCV001060454.9), dbSNP rs2136803780, ClinGen allele CA383824722.
Genomic context (GRCh38, chr12:8,841,493, plus strand): 5'-GCACAAATGGAACCTTCAACCAGACCCTGGTTACTGATAACAATGGCCTAGCTCCCTTTA[C>T]CTTGGAGACATCCGGTTGGAATGGGACAGACGTTTCTCTGGAGGTAAGCATGGACGGAGG-3'
Protein context (NP_653271.3, residues 392-412): VTDNNGLAPF[Thr402Ile]LETSGWNGTD